The following is an entry in ClinVar:

ClinVar aggregate classification (germline): Uncertain significance (1 of 4 stars; one submission).

Submission:

GeneDx
Classification: Uncertain significance. Last evaluated: 2025-05-24. Review status: criteria provided, single submitter. Criteria: GeneDx Variant Classification Process June 2021. Collection method: clinical testing. Allele origin: germline. Affected: yes.
Comment: Not observed at significant frequency in large population cohorts (gnomAD); Has not been previously published as pathogenic or benign to our knowledge; In silico analysis is inconclusive as to whether the variant alters gene splicing. In the absence of RNA/functional studies, the actual effect of this sequence change is unknown.

NM_021224.6(ZNF462):c.6013-11T>C

Gene: ZNF462 (zinc finger protein 462; plus strand). Cytogenetic location: 9q31.2.
Variant type: single nucleotide variant.
Coding change: c.6013-11T>C on transcript NM_021224.6 (MANE Select); 11 bases into the intron before coding-DNA position 6013, T replaced by C.
Molecular consequence: intron variant.
Genome position (GRCh38, 1-based): chr9:106,932,435, T>C. VCF-style: chr9-106932435-T-C. GRCh37 (hg19) VCF-style: chr9-109694716-T-C.
Other names: c.3418-11T>C (NM_001347997.2).
Identifiers: ClinVar variation 4531157 (VCV004531157.1).